The following is an entry in ClinVar:

NM_000288.4(PEX7):c.111_112del (p.Gln38fs)

Gene: PEX7 (peroxisomal biogenesis factor 7; plus strand). Cytogenetic location: 6q23.3.
Variant type: Microsatellite.
Coding change: c.111_112del on transcript NM_000288.4 (MANE Select); coding-DNA positions 111 to 112, 2 bases deleted (GC; older notation c.111_112delGC).
Protein change: p.Gln38fs; shifts the reading frame from glutamine 38.
Molecular consequence: frameshift variant.
Genome position (GRCh38, 1-based): chr6:136,822,776-136,822,777, GC deleted; deleting any 2 consecutive bases within chr6:136,822,773-136,822,777 gives the same sequence; the c. name uses the placement nearest the transcript's 3' end. VCF-style (leftmost placement, unchanged base first): chr6-136822772-CCG-C. GRCh37 (hg19) VCF-style: chr6-137143910-CCG-C.
Other names: short protein forms Q38fs.
Identifiers: ClinVar variation 2029049 (VCV002029049.4), dbSNP rs2548068894, ClinGen allele CA2580615780.

ClinVar aggregate classification (germline): Pathogenic (1 of 4 stars; one submission).

Conditions:
Peroxisome biogenesis disorder 9B. Also called: PEX7-Related Refsum Disease; PEROXISOME BIOGENESIS DISORDER, PEX7-RELATED, ATYPICAL; Refsum disease, adult, 2. Identifiers: Orphanet 773, MedGen C2749346, MONDO:0013945, OMIM 614879.

Submission:

Labcorp Genetics (formerly Invitae), Labcorp
Classification: Pathogenic for Peroxisome biogenesis disorder 9B. Last evaluated: 2022-09-13. Review status: criteria provided, single submitter. Criteria: Invitae Variant Classification Sherloc (09022015). Collection method: clinical testing. Allele origin: germline.
Comment: This sequence change creates a premature translational stop signal (p.Gln38Alafs*17) in the PEX7 gene. It is expected to result in an absent or disrupted protein product. Loss-of-function variants in PEX7 are known to be pathogenic (PMID: 12325024, 12522768, 20301447). This variant is not present in population databases (gnomAD no frequency). This variant has not been reported in the literature in individuals affected with PEX7-related conditions. For these reasons, this variant has been classified as Pathogenic.

Literature cited by the submitters: PubMed 12325024; PubMed 12522768; PubMed 20301447.